The following is an entry in ClinVar:

NM_000038.6(APC):c.6866C>T (p.Thr2289Ile)

Gene: APC (APC regulator of Wnt signaling pathway; plus strand). Cytogenetic location: 5q22.2.
Variant type: single nucleotide variant.
Coding change: c.6866C>T on transcript NM_000038.6 (MANE Select); coding-DNA position 6866, C replaced by T.
Protein change: p.Thr2289Ile; replaces threonine 2289 with isoleucine.
Molecular consequence: missense variant.
Genome position (GRCh38, 1-based): chr5:112,842,460, C>T. VCF-style: chr5-112842460-C-T. GRCh37 (hg19) VCF-style: chr5-112178157-C-T.
Other names: c.6866C>T, p.Thr2289Ile (NM_001127510.3, NM_001354895.2); c.6812C>T, p.Thr2271Ile (NM_001127511.3); c.6920C>T, p.Thr2307Ile (NM_001354896.2); c.6896C>T, p.Thr2299Ile (NM_001354897.2); c.6791C>T, p.Thr2264Ile (NM_001354898.2); c.6782C>T, p.Thr2261Ile (NM_001354899.2); c.6743C>T, p.Thr2248Ile (NM_001354900.2); c.6689C>T, p.Thr2230Ile (NM_001354901.2); and 5 more; short protein forms T2271I, T2289I, T2188I, T2307I, T2129I, T2198I, T2261I, T2163I.
Identifiers: ClinVar variation 233810 (VCV000233810.18), dbSNP rs876660654, ClinGen allele CA10578437.

ClinVar aggregate classification (germline): Uncertain significance. Review status: criteria provided, multiple submitters, no conflicts (2 of 4 stars). 3 submissions from 3 submitters: Uncertain significance (3). Last evaluated 2025-02-10.

Conditions:
Familial adenomatous polyposis 1 (FAP1). Also called: FAMILIAL ADENOMATOUS POLYPOSIS 1, ATTENUATED; POLYPOSIS, ADENOMATOUS INTESTINAL. Identifiers: MedGen C2713442, MONDO:0021056, OMIM 175100. Disease mechanism: loss of function.
Hereditary cancer-predisposing syndrome. Also called: Neoplastic Syndromes, Hereditary; Tumor predisposition; Hereditary Cancer Syndrome; Hereditary neoplastic syndrome. Identifiers: Orphanet 140162, MedGen C0027672, MeSH D009386, MONDO:0015356.

Allele frequency attached by ClinVar (database versions not stated): gnomAD below 0.00001 and 0.00001.
gnomAD v4.1: 4 of 1,613,842 alleles (0.00025%); highest among the groups gnomAD compares: South Asian, 0.0011%; no homozygotes.

Submissions (3):

Labcorp Genetics (formerly Invitae), Labcorp
Classification: Uncertain significance for Familial adenomatous polyposis 1. Last evaluated: 2025-02-10. Review status: criteria provided, single submitter. Criteria: Invitae Variant Classification Sherloc (09022015). Collection method: clinical testing. Allele origin: germline.
Comment: This sequence change replaces threonine, which is neutral and polar, with isoleucine, which is neutral and non-polar, at codon 2289 of the APC protein (p.Thr2289Ile). This variant is present in population databases (no rsID available, gnomAD 0.0009%). This variant has not been reported in the literature in individuals affected with APC-related conditions. ClinVar contains an entry for this variant (Variation ID: 233810). Invitae Evidence Modeling of protein sequence and biophysical properties (such as structural, functional, and spatial information, amino acid conservation, physicochemical variation, residue mobility, and thermodynamic stability) indicates that this missense variant is not expected to disrupt APC protein function with a negative predictive value of 95%. In summary, the available evidence is currently insufficient to determine the role of this variant in disease. Therefore, it has been classified as a Variant of Uncertain Significance.

Ambry Genetics
Classification: Uncertain significance for Hereditary cancer-predisposing syndrome. Last evaluated: 2023-04-17. Review status: criteria provided, single submitter. Criteria: Ambry Variant Classification Scheme 2023. Collection method: clinical testing. Allele origin: germline.
Comment: The p.T2289I variant (also known as c.6866C>T), located in coding exon 15 of the APC gene, results from a C to T substitution at nucleotide position 6866. The threonine at codon 2289 is replaced by isoleucine, an amino acid with similar properties. This amino acid position is not well conserved in available vertebrate species. In addition, in silico predictors for this gene do not accurately predict pathogenicity. Since supporting evidence is limited at this time, the clinical significance of this alteration remains unclear.

Color Diagnostics, LLC DBA Color Health
Classification: Uncertain significance for Hereditary cancer-predisposing syndrome. Last evaluated: 2019-12-10. Review status: criteria provided, single submitter. Criteria: ACMG Guidelines, 2015. Collection method: clinical testing. Allele origin: germline.
Comment: This missense variant replaces threonine with isoleucine at codon 2289 of the APC protein. Computational prediction suggests that this variant may not impact protein structure and function (internally defined REVEL score threshold <= 0.5, PMID: 27666373). Splice site prediction tools suggest that this variant may not impact RNA splicing. To our knowledge, functional studies have not been performed for this variant. This variant has not been reported in individuals affected with hereditary cancer in the literature. This variant has been identified in 1/250938 chromosomes in the general population by the Genome Aggregation Database (gnomAD). The available evidence is insufficient to determine the role of this variant in disease conclusively. Therefore, this variant is classified as a Variant of Uncertain Significance.